The following is an entry in ClinVar:

NM_031935.3(HMCN1):c.13169T>C (p.Ile4390Thr)

Gene: HMCN1 (hemicentin 1; plus strand). Cytogenetic location: 1q31.1.
Variant type: single nucleotide variant.
Coding change: c.13169T>C on transcript NM_031935.3 (MANE Select); coding-DNA position 13169, T replaced by C.
Protein change: p.Ile4390Thr; replaces isoleucine 4390 with threonine.
Molecular consequence: missense variant.
Genome position (GRCh38, 1-based): chr1:186,130,636, T>C. VCF-style: chr1-186130636-T-C. GRCh37 (hg19) VCF-style: chr1-186099768-T-C.
Other names: short protein forms I4390T.
Identifiers: ClinVar variation 1937104 (VCV001937104.5), dbSNP rs759810722, ClinGen allele CA1294559.

ClinVar aggregate classification (germline): Uncertain significance (1 of 4 stars; one submission).

Allele frequency attached by ClinVar (database versions not stated): gnomAD exomes below 0.00001; ExAC 0.00001; TOPMed 0.00003; gnomAD 0.00004.
gnomAD v4.1: 11 of 1,613,380 alleles (0.00068%); highest among the groups gnomAD compares: African/African-American, 0.013%; no homozygotes.

Submission:

Labcorp Genetics (formerly Invitae), Labcorp
Classification: Uncertain significance. Last evaluated: 2022-09-28. Review status: criteria provided, single submitter. Criteria: Invitae Variant Classification Sherloc (09022015). Collection method: clinical testing. Allele origin: germline.
Comment: In summary, the available evidence is currently insufficient to determine the role of this variant in disease. Therefore, it has been classified as a Variant of Uncertain Significance. Algorithms developed to predict the effect of missense changes on protein structure and function are either unavailable or do not agree on the potential impact of this missense change (SIFT: "Deleterious"; PolyPhen-2: "Benign"; Align-GVGD: "Class C25"). This variant has not been reported in the literature in individuals affected with HMCN1-related conditions. This variant is present in population databases (rs759810722, gnomAD 0.01%). This sequence change replaces isoleucine, which is neutral and non-polar, with threonine, which is neutral and polar, at codon 4390 of the HMCN1 protein (p.Ile4390Thr).